The following is an entry in ClinVar:

ClinVar aggregate classification (germline): Uncertain significance (1 of 4 stars; one submission).

Conditions:
KBG syndrome (KBGS). Also called: ANKRD11-Related KBG Syndrome. Identifiers: Orphanet 2332, MedGen C0220687, MONDO:0007846, OMIM 148050.

Submission:

Labcorp Genetics (formerly Invitae), Labcorp
Classification: Uncertain significance for KBG syndrome. Last evaluated: 2024-03-17. Review status: criteria provided, single submitter. Criteria: Invitae Variant Classification Sherloc (09022015). Collection method: clinical testing. Allele origin: germline.
Comment: This sequence change replaces valine, which is neutral and non-polar, with leucine, which is neutral and non-polar, at codon 1226 of the ANKRD11 protein (p.Val1226Leu). This variant is not present in population databases (gnomAD no frequency). This variant has not been reported in the literature in individuals affected with ANKRD11-related conditions. Advanced modeling of protein sequence and biophysical properties (such as structural, functional, and spatial information, amino acid conservation, physicochemical variation, residue mobility, and thermodynamic stability) performed at Invitae indicates that this missense variant is not expected to disrupt ANKRD11 protein function with a negative predictive value of 95%. In summary, the available evidence is currently insufficient to determine the role of this variant in disease. Therefore, it has been classified as a Variant of Uncertain Significance.

NM_013275.6(ANKRD11):c.3676G>T (p.Val1226Leu)

Gene: ANKRD11 (ankyrin repeat domain 11; minus strand). Cytogenetic location: 16q24.3.
Variant type: single nucleotide variant.
Coding change: c.3676G>T on transcript NM_013275.6 (MANE Select); coding-DNA position 3676, G replaced by T.
Protein change: p.Val1226Leu; replaces valine 1226 with leucine.
Molecular consequence: missense variant.
Genome position (GRCh38, 1-based): chr16:89,282,866, C>A on the plus strand (G>T on the coding strand, the complement: ANKRD11 is on the minus strand). VCF-style: chr16-89282866-C-A. GRCh37 (hg19) VCF-style: chr16-89349274-C-A.
Other names: c.3676G>T, p.Val1226Leu (NM_001256182.2, NM_001256183.2); short protein forms V1226L.
Identifiers: ClinVar variation 3637142 (VCV003637142.2).